The following is an entry in ClinVar:

NM_001103.4(ACTN2):c.1256-79G>A

Gene: ACTN2 (actinin alpha 2; plus strand). Cytogenetic location: 1q43.
Variant type: single nucleotide variant.
Coding change: c.1256-79G>A on transcript NM_001103.4 (MANE Select); 79 bases into the intron before coding-DNA position 1256, G replaced by A.
Molecular consequence: intron variant.
Genome position (GRCh38, 1-based): chr1:236,744,547, G>A. VCF-style: chr1-236744547-G-A. GRCh37 (hg19) VCF-style: chr1-236907847-G-A.
Other names: c.632-79G>A (NM_001278344.2); c.1256-79G>A (NM_001278343.2).
Identifiers: ClinVar variation 672489 (VCV000672489.2), dbSNP rs3738543, ClinGen allele CA10915828.
Genomic context (GRCh38, chr1:236,744,547, plus strand): 5'-GCCTGCATCTTCAGTCCTGCCCCTCTCTGTCCCCTTCTCTTGGTTCTTTGGAATCTCACC[G>A]CTCCCTGAGAATGTGGCTGGCATGAGGAAGCCGCTGTGCCCTCAGCATATTCATACTTTC-3'

ClinVar aggregate classification (germline): Benign. Review status: criteria provided, multiple submitters, no conflicts (2 of 4 stars). 2 submissions from 2 submitters: Benign (2). Last evaluated 2018-06-19.

Allele frequency attached by ClinVar (database versions not stated): 1000 Genomes Project 30x 0.07558; 1000 Genomes Project 0.07668; gnomAD 0.08634 and 0.08703; TOPMed 0.08948.
gnomAD v4.1: 140,894 of 1,537,748 alleles (9.2%); highest among the groups gnomAD compares: Middle Eastern, 16%; 6,810 homozygotes.

Submissions (2):

GeneDx
Classification: Benign. Last evaluated: 2018-06-19. Review status: criteria provided, single submitter. Criteria: GeneDx Variant Classification (06012015). Collection method: clinical testing. Allele origin: germline. Affected: yes.
Comment: This variant is considered likely benign or benign based on one or more of the following criteria: it is a conservative change, it occurs at a poorly conserved position in the protein, it is predicted to be benign by multiple in silico algorithms, and/or has population frequency not consistent with disease.

Breakthrough Genomics
Classification: Benign. Review status: criteria provided, single submitter. Criteria: ACMG Guidelines, 2015. Collection method: not provided. Allele origin: germline. Inheritance: Autosomal dominant inheritance. Affected: yes.